The following is an entry in ClinVar:

ClinVar aggregate classification (germline): Likely benign (0 of 4 stars; one submission).

Conditions:
RCAN1-related disorder. Also called: RCAN1-related condition.

Allele frequency attached by ClinVar (database versions not stated): TOPMed 0.00024; gnomAD 0.00029; 1000 Genomes Project 30x 0.00203.
gnomAD v4.1: 229 of 1,418,428 alleles (0.016%); highest among the groups gnomAD compares: East Asian, 0.54%; no homozygotes.

Submission:

PreventionGenetics, part of Exact Sciences
Classification: Likely benign for RCAN1-related condition. Last evaluated: 2023-05-16. Review status: no assertion criteria provided. Collection method: clinical testing. Allele origin: germline.
Comment: This variant is classified as likely benign based on ACMG/AMP sequence variant interpretation guidelines (Richards et al. 2015 PMID: 25741868, with internal and published modifications).

NM_004414.7(RCAN1):c.101C>A (p.Ala34Glu)

Gene: RCAN1 (regulator of calcineurin 1; minus strand). Cytogenetic location: 21q22.12.
Variant type: single nucleotide variant.
Coding change: c.101C>A on transcript NM_004414.7 (MANE Select); coding-DNA position 101, C replaced by A.
Protein change: p.Ala34Glu; replaces alanine 34 with glutamic acid.
Molecular consequence: missense variant.
Genome position (GRCh38, 1-based): chr21:34,614,911, G>T on the plus strand (C>A on the coding strand, the complement: RCAN1 is on the minus strand). VCF-style: chr21-34614911-G-T. GRCh37 (hg19) VCF-style: chr21-35987210-G-T.
Other names: short protein forms A34E.
Identifiers: ClinVar variation 3049345 (VCV003049345.2), dbSNP rs374228016, ClinGen allele CA10013721.
Genomic context (GRCh38, chr21:34,614,911, plus strand): 5'-CAGTCAATGAAGCTCCAGTCGCCGCCGCCCTCGTCCGCCTCGGCCGCCCCCGAGAGGGGC[G>T]CGAAGGGCCGCAGCGTCACCCCGGGCCGCGCTCGCGCCTCGGCCGCCTCCGCCGCCTCCG-3'
Protein context (NP_004405.3, residues 24-44): ARPGVTLRPF[Ala34Glu]PLSGAAEADE